The following is an entry in ClinVar:

NM_001122630.2(CDKN1C):c.573GGCCCC[5] (p.186AP[11])

Gene: CDKN1C (cyclin dependent kinase inhibitor 1C; minus strand). Cytogenetic location: 11p15.4.
Variant type: Microsatellite.
Coding change: c.573GGCCCC[5] on transcript NM_001122630.2 (MANE Select); five copies in a row of the 6-base unit GGCCCC starting at c.573; the reference has four copies in a row; one copy, 6 bases duplicated.
Protein change: p.186AP[11].
Molecular consequence: inframe insertion. On other transcripts: intron variant (1).
Genome position (GRCh38, 1-based): chr11:2,884,861-2,884,866, GGGGCC duplicated on the plus strand (GGCCCC on the coding strand, the reverse complement: CDKN1C is on the minus strand); duplicating any 6 consecutive bases within chr11:2,884,861-2,884,889 gives the same sequence; the position shown is the placement nearest the transcript's 3' end. VCF-style (leftmost placement, unchanged base first): chr11-2884860-G-GGGGGCC. GRCh37 (hg19) VCF-style: chr11-2906090-G-GGGGGCC.
Other names: c.606GGCCCC[5], p.197AP[11] (NM_000076.2, NM_001362474.2); c.573GGCCCC[5], p.186AP[11] (NM_001122631.2); c.255+318GGCCCC[5] (NM_001362475.2); c.624_629dupGGCCCC (NM_000076.2); c.624_629dup6 (NM_000076.2).
Identifiers: ClinVar variation 236968 (VCV000236968.25), dbSNP rs759134767, ClinGen allele CA10582894.
Genomic context (GRCh38, chr11:2,884,860, plus strand): 5'-CTGGTTCGCGCCCTGCTCGGCGCTCTCTTGAGGCGCCGCGTCCGGGGCCGGGGCCGGGGC[G>GGGGGCC]GGGGCCGGGGCCGGGGCCGGGGCCGGGGCTGGGGCCGGGGCCGCGACTGGAGCCGGGGCC-3'

ClinVar aggregate classification (germline): Conflicting classifications of pathogenicity. Review status: criteria provided, conflicting classifications (1 of 4 stars). 6 submissions from 6 submitters: Uncertain significance (2); Benign (1); Likely benign (2). 1 of the submissions does not count toward it. Last evaluated 2026-01-28.

Conditions:
CDKN1C-related disorder. Also called: CDKN1C-related condition.
Beckwith-Wiedemann syndrome (BWS). Also called: Exomphalos macroglossia gigantism syndrome; EMG SYNDROME. Identifiers: Orphanet 116, MedGen C0004903, MONDO:0007534, OMIM 130650.

Submissions (6):

Labcorp Genetics (formerly Invitae), Labcorp
Classification: Benign for Beckwith-Wiedemann syndrome. Last evaluated: 2026-01-28. Review status: criteria provided, single submitter. Criteria: Invitae Variant Classification Sherloc (09022015). Collection method: clinical testing. Allele origin: germline.

Blueprint Genetics
Classification: Likely benign. Last evaluated: 2024-10-23. Review status: criteria provided, single submitter. Criteria: ACMG Guidelines, 2015. Collection method: clinical testing. Allele origin: germline.

Sema4
Classification: Uncertain significance for Beckwith-Wiedemann syndrome. Last evaluated: 2021-05-25. Review status: criteria provided, single submitter. Criteria: Sema4 Curation Guidelines. Collection method: curation. Allele origin: germline.
Comment: The CDKN1C c.624_629dupGGCCCC (p.A215_P216dup) variant has been reported in heterozygosity in at least one individual with Beckwith-Wiedemann Syndrome (PMID: 26077438). It was observed in 11/7844 chromosomes, including 0 homozygotes, in the African/African American subpopulation in the large and broad cohorts of the Genome Aggregation Database (PMID: 32461654). The variant has been reported in ClinVar (Variation ID: 236968). The evidence is insufficient to meet ACMG/AMP criteria for classifying the variant as benign or pathogenic. Thus, the clinical significance of this variant is currently uncertain.

Eurofins Ntd Llc (ga)
Classification: Uncertain significance. Last evaluated: 2017-03-09. Review status: criteria provided, single submitter. Criteria: EGL Classification Definitions 2015. Collection method: clinical testing. Allele origin: germline. Observed: 1 variant allele, 1 heterozygote.

Genetic Services Laboratory, University of Chicago
Classification: Likely benign. Last evaluated: 2016-09-02. Review status: criteria provided, single submitter. Criteria: ACMG Guidelines, 2015. Collection method: clinical testing. Allele origin: germline. Affected: no.

PreventionGenetics, part of Exact Sciences
Classification: Likely benign for CDKN1C-related condition. Last evaluated: 2022-06-29. Review status: no assertion criteria provided. Collection method: clinical testing. Allele origin: germline. Not counted in ClinVar's aggregate classification.
Comment: This variant is classified as likely benign based on ACMG/AMP sequence variant interpretation guidelines (Richards et al. 2015 PMID: 25741868, with internal and published modifications).

Literature cited by the submitters: PubMed 26077438 (cited by Sema4).